The following is an entry in ClinVar:

ClinVar aggregate classification (germline): Benign. Review status: criteria provided, single submitter (1 of 4 stars). 2 submissions from 2 submitters: Benign (1). 1 of the submissions does not count toward it. Last evaluated 2025-12-15.

Conditions:
PLXNA1-related disorder. Also called: PLXNA1-related condition.

Allele frequency attached by ClinVar (database versions not stated): ESP Exome Variant Server 0.00008; TOPMed 0.00011; gnomAD exomes 0.00014; ExAC 0.00015; gnomAD 0.00025.
gnomAD v4.1: 239 of 1,607,598 alleles (0.015%); highest among the groups gnomAD compares: Non-Finnish European, 0.017%; 2 homozygotes.

Submissions (2):

Labcorp Genetics (formerly Invitae), Labcorp
Classification: Benign. Last evaluated: 2025-12-15. Review status: criteria provided, single submitter. Criteria: Invitae Variant Classification Sherloc (09022015). Collection method: clinical testing. Allele origin: germline.

PreventionGenetics, part of Exact Sciences
Classification: Likely benign for PLXNA1-related condition. Last evaluated: 2021-12-29. Review status: no assertion criteria provided. Collection method: clinical testing. Allele origin: germline. Not counted in ClinVar's aggregate classification.
Comment: This variant is classified as likely benign based on ACMG/AMP sequence variant interpretation guidelines (Richards et al. 2015 PMID: 25741868, with internal and published modifications).

NM_032242.4(PLXNA1):c.2640G>A (p.Thr880=)

Gene: PLXNA1 (plexin A1; plus strand). Cytogenetic location: 3q21.3.
Variant type: single nucleotide variant.
Coding change: c.2640G>A on transcript NM_032242.4 (MANE Select); coding-DNA position 2640, G replaced by A.
Protein change: p.Thr880=; no amino-acid change (threonine 880 retained).
Molecular consequence: synonymous variant.
Genome position (GRCh38, 1-based): chr3:127,014,513, G>A. VCF-style: chr3-127014513-G-A. GRCh37 (hg19) VCF-style: chr3-126733356-G-A.
Other names: c.2640G>A (NM_032242.3).
Identifiers: ClinVar variation 2141581 (VCV002141581.6), dbSNP rs373034872, ClinGen allele CA2593713.